The following is an entry in ClinVar:

ClinVar aggregate classification (germline): Pathogenic (1 of 4 stars; one submission).

Submission:

Labcorp Genetics (formerly Invitae), Labcorp
Classification: Pathogenic. Last evaluated: 2023-07-25. Review status: criteria provided, single submitter. Criteria: Invitae Variant Classification Sherloc (09022015). Collection method: clinical testing. Allele origin: germline.
Comment: For these reasons, this variant has been classified as Pathogenic. This variant has not been reported in the literature in individuals affected with FMO3-related conditions. This variant is not present in population databases (gnomAD no frequency). This sequence change creates a premature translational stop signal (p.Ser195*) in the FMO3 gene. It is expected to result in an absent or disrupted protein product. Loss-of-function variants in FMO3 are known to be pathogenic (PMID: 20301282).

Literature cited by the submitters: PubMed 20301282.

NM_001002294.3(FMO3):c.584C>A (p.Ser195Ter)

Genes: FMO3 (flavin containing dimethylaniline monoxygenase 3; plus strand), LOC126805916 (BRD4-independent group 4 enhancer GRCh37_chr1:171076844-171078043; plus strand). Cytogenetic location: 1q24.3.
Variant type: single nucleotide variant.
Coding change: c.584C>A on transcript NM_001002294.3 (MANE Select); coding-DNA position 584, C replaced by A.
Protein change: p.Ser195Ter; replaces serine 195 with a stop codon.
Molecular consequence: nonsense.
Genome position (GRCh38, 1-based): chr1:171,108,178, C>A. VCF-style: chr1-171108178-C-A. GRCh37 (hg19) VCF-style: chr1-171077319-C-A.
Other names: c.524C>A, p.Ser175Ter (NM_001319173.2); c.395C>A, p.Ser132Ter (NM_001319174.2); c.584C>A, p.Ser195Ter (NM_006894.6); short protein forms S195*, S132*, S175*.
Identifiers: ClinVar variation 2746410 (VCV002746410.3), dbSNP rs775749562, ClinGen allele CA343185143.